The following is an entry in ClinVar:

ClinVar aggregate classification (germline): Pathogenic. Review status: criteria provided, single submitter (1 of 4 stars). 2 submissions from 2 submitters: Pathogenic (1). 1 of the submissions does not count toward it. Last evaluated 2023-03-24.

Conditions:
Familial long QT syndrome (RWS). Also called: Congenital long QT syndrome; Romano-Ward syndrome; VENTRICULAR FIBRILLATION WITH PROLONGED QT INTERVAL. Identifiers: Orphanet 768, MedGen C1141890, MONDO:0019171.
Andersen Tawil syndrome (LQT7). Also called: ANDERSEN CARDIODYSRHYTHMIC PERIODIC PARALYSIS; Andersen Syndrome; Potassium-sensitive periodic paralysis, ventricular ectopy, and dysmorphic features; LONG QT SYNDROME 7; PERIODIC PARALYSIS, POTASSIUM-SENSITIVE CARDIODYSRHYTHMIC TYPE. Identifiers: Orphanet 37553, MedGen C1563715, MONDO:0008222, OMIM 170390.
Short QT syndrome type 3. Identifiers: Orphanet 51083, MedGen C1865018, MONDO:0012314, OMIM 609622.

Allele frequency attached by ClinVar (database versions not stated): gnomAD exomes below 0.00001.
gnomAD v4.1: 1 of 1,614,082 alleles (0.000062%); highest among the groups gnomAD compares: Non-Finnish European, 0.000085%; no homozygotes.

Submissions (2):

Labcorp Genetics (formerly Invitae), Labcorp
Classification: Pathogenic for Short QT syndrome type 3; Andersen Tawil syndrome. Last evaluated: 2023-03-24. Review status: criteria provided, single submitter. Criteria: Invitae Variant Classification Sherloc (09022015). Collection method: clinical testing. Allele origin: germline.
Comment: This sequence change replaces threonine, which is neutral and polar, with isoleucine, which is neutral and non-polar, at codon 309 of the KCNJ2 protein (p.Thr309Ile). For these reasons, this variant has been classified as Pathogenic. Experimental studies have shown that this missense change affects KCNJ2 function (PMID: 15831539). Advanced modeling of protein sequence and biophysical properties (such as structural, functional, and spatial information, amino acid conservation, physicochemical variation, residue mobility, and thermodynamic stability) performed at Invitae indicates that this missense variant is not expected to disrupt KCNJ2 protein function. ClinVar contains an entry for this variant (Variation ID: 67593). This missense change has been observed in individuals with clinical features of KCNJ2-related conditions (PMID: 15831539, 17221872, 24861851; Invitae). This variant is not present in population databases (gnomAD no frequency).

Cardiovascular Biomedical Research Unit, Royal Brompton & Harefield NHS Foundation Trust
No classification provided. Condition: Familial long QT syndrome. Review status: no classification provided. Collection method: literature only. Allele origin: germline. Not counted in ClinVar's aggregate classification.
Comment: This variant has been reported in the following publications (PMID:15831539;PMID:17221872).

Literature cited by the submitters: PubMed 15831539 (cited by Labcorp Genetics (formerly Invitae), Labcorp and Cardiovascular Biomedical Research Unit, Royal Brompton & Harefield NHS Foundation Trust); PubMed 17221872 (cited by Labcorp Genetics (formerly Invitae), Labcorp and Cardiovascular Biomedical Research Unit, Royal Brompton & Harefield NHS Foundation Trust); PubMed 24861851 (cited by Labcorp Genetics (formerly Invitae), Labcorp); PubMed 22581653 (cited by Cardiovascular Biomedical Research Unit, Royal Brompton & Harefield NHS Foundation Trust).

NM_000891.3(KCNJ2):c.926C>T (p.Thr309Ile)

Gene: KCNJ2 (potassium inwardly rectifying channel subfamily J member 2; plus strand). Cytogenetic location: 17q24.3.
Variant type: single nucleotide variant.
Coding change: c.926C>T on transcript NM_000891.3 (MANE Select); coding-DNA position 926, C replaced by T.
Protein change: p.Thr309Ile; replaces threonine 309 with isoleucine.
Molecular consequence: missense variant.
Genome position (GRCh38, 1-based): chr17:70,175,965, C>T. VCF-style: chr17-70175965-C-T. GRCh37 (hg19) VCF-style: chr17-68172106-C-T.
Other names: c.926C>T (LRG_328t1); short protein forms T309I.
Identifiers: ClinVar variation 67593 (VCV000067593.5), dbSNP rs199473388, ClinGen allele CA329714.